The following is an entry in ClinVar:

NM_000094.4(COL7A1):c.5979+1G>A

Gene: COL7A1 (collagen type VII alpha 1 chain; minus strand). Cytogenetic location: 3p21.31.
Variant type: single nucleotide variant.
Coding change: c.5979+1G>A on transcript NM_000094.4 (MANE Select); the canonical splice donor site of the intron after coding-DNA position 5979, G replaced by A.
Molecular consequence: splice donor variant.
Genome position (GRCh38, 1-based): chr3:48,575,625, C>T on the plus strand (G>A on the coding strand, the complement: COL7A1 is on the minus strand). VCF-style: chr3-48575625-C-T. GRCh37 (hg19) VCF-style: chr3-48613058-C-T.
Identifiers: ClinVar variation 1996688 (VCV001996688.4), dbSNP rs2530977738, ClinGen allele CA352664316.

ClinVar aggregate classification (germline): Likely pathogenic (1 of 4 stars; one submission).

Submission:

Labcorp Genetics (formerly Invitae), Labcorp
Classification: Likely pathogenic. Last evaluated: 2022-11-21. Review status: criteria provided, single submitter. Criteria: Invitae Variant Classification Sherloc (09022015). Collection method: clinical testing. Allele origin: germline.
Comment: In summary, the currently available evidence indicates that the variant is pathogenic, but additional data are needed to prove that conclusively. Therefore, this variant has been classified as Likely Pathogenic. Algorithms developed to predict the effect of sequence changes on RNA splicing suggest that this variant may disrupt the consensus splice site. This variant has not been reported in the literature in individuals affected with COL7A1-related conditions. This variant is not present in population databases (gnomAD no frequency). This sequence change affects a donor splice site in intron 72 of the COL7A1 gene. It is expected to disrupt RNA splicing. Variants that disrupt the donor or acceptor splice site typically lead to a loss of protein function (PMID: 16199547), and loss-of-function variants in COL7A1 are known to be pathogenic (PMID: 16971478).

Literature cited by the submitters: PubMed 16199547; PubMed 16971478.